The following is an entry in ClinVar:

ClinVar aggregate classification (germline): Uncertain significance (1 of 4 stars; one submission).

Conditions:
Autosomal recessive ataxia, Beauce type. Also called: ATAXIA, RECESSIVE, OF BEAUCE; Spinocerebellar ataxia, autosomal recessive 8; SYNE1-Related Autosomal Recessive Cerebellar Ataxia; SYNE1 Deficiency. Identifiers: Orphanet 88644, MedGen C1853116, MONDO:0012549, OMIM 610743.
Emery-Dreifuss muscular dystrophy 4, autosomal dominant (EDMD4). Also called: EMERY-DREIFUSS MUSCULAR DYSTROPHY 4 WITH VARIABLE FEATURES. Identifiers: Orphanet 261, MedGen C2751807, MONDO:0013071, OMIM 612998.

gnomAD v4.1: 1 of 1,613,948 alleles (0.000062%); highest among the groups gnomAD compares: East Asian, 0.0022%; no homozygotes.

Submission:

Labcorp Genetics (formerly Invitae), Labcorp
Classification: Uncertain significance for Emery-Dreifuss muscular dystrophy 4, autosomal dominant; Autosomal recessive ataxia, Beauce type. Last evaluated: 2020-09-17. Review status: criteria provided, single submitter. Criteria: Invitae Variant Classification Sherloc (09022015). Collection method: clinical testing. Allele origin: germline.
Comment: This variant is not present in population databases (ExAC no frequency). This sequence change replaces glutamine with lysine at codon 1402 of the SYNE1 protein (p.Gln1402Lys). The glutamine residue is highly conserved and there is a small physicochemical difference between glutamine and lysine. Algorithms developed to predict the effect of missense changes on protein structure and function are either unavailable or do not agree on the potential impact of this missense change (SIFT: "Deleterious"; PolyPhen-2: "Possibly Damaging"; Align-GVGD: "Class C0"). This variant has not been reported in the literature in individuals with SYNE1-related conditions. In summary, the available evidence is currently insufficient to determine the role of this variant in disease. Therefore, it has been classified as a Variant of Uncertain Significance.

NM_182961.4(SYNE1):c.4183C>A (p.Gln1395Lys)

Gene: SYNE1 (spectrin repeat containing nuclear envelope protein 1; minus strand). Cytogenetic location: 6q25.2.
Variant type: single nucleotide variant.
Coding change: c.4183C>A on transcript NM_182961.4 (MANE Select); coding-DNA position 4183, C replaced by A.
Protein change: p.Gln1395Lys; replaces glutamine 1395 with lysine.
Molecular consequence: missense variant.
Genome position (GRCh38, 1-based): chr6:152,436,068, G>T on the plus strand (C>A on the coding strand, the complement: SYNE1 is on the minus strand). VCF-style: chr6-152436068-G-T. GRCh37 (hg19) VCF-style: chr6-152757203-G-T.
Other names: c.4204C>A, p.Gln1402Lys (NM_033071.5); short protein forms Q1395K, Q1402K.
Identifiers: ClinVar variation 1021616 (VCV001021616.8), dbSNP rs2098471423, ClinGen allele CA366145191.